The following is an entry in ClinVar:

NM_001128148.3(TFRC):c.1508A>G (p.Tyr503Cys)

Gene: TFRC (transferrin receptor; minus strand). Cytogenetic location: 3q29.
Variant type: single nucleotide variant.
Coding change: c.1508A>G on transcript NM_001128148.3 (MANE Select); coding-DNA position 1508, A replaced by G.
Protein change: p.Tyr503Cys; replaces tyrosine 503 with cysteine.
Molecular consequence: missense variant.
Genome position (GRCh38, 1-based): chr3:196,060,208, T>C on the plus strand (A>G on the coding strand, the complement: TFRC is on the minus strand). VCF-style: chr3-196060208-T-C. GRCh37 (hg19) VCF-style: chr3-195787079-T-C.
Other names: c.1265A>G, p.Tyr422Cys (NM_001313965.2); c.662A>G, p.Tyr221Cys (NM_001313966.2); c.1508A>G, p.Tyr503Cys (NM_003234.4); short protein forms Y422C, Y503C, Y221C.
Identifiers: ClinVar variation 4703727 (VCV004703727.1).

ClinVar aggregate classification (germline): Uncertain significance (1 of 4 stars; one submission).

gnomAD v4.1: 7 of 1,614,156 alleles (0.00043%); highest among the groups gnomAD compares: South Asian, 0.0044%; no homozygotes.

Submission:

Labcorp Genetics (formerly Invitae), Labcorp
Classification: Uncertain significance. Last evaluated: 2025-02-20. Review status: criteria provided, single submitter. Criteria: Invitae Variant Classification Sherloc (09022015). Collection method: clinical testing. Allele origin: germline.
Comment: This sequence change replaces tyrosine, which is neutral and polar, with cysteine, which is neutral and slightly polar, at codon 503 of the TFRC protein (p.Tyr503Cys). This variant is present in population databases (no rsID available, gnomAD 0.007%). This variant has not been reported in the literature in individuals affected with TFRC-related conditions. Invitae Evidence Modeling of protein sequence and biophysical properties (such as structural, functional, and spatial information, amino acid conservation, physicochemical variation, residue mobility, and thermodynamic stability) indicates that this missense variant is not expected to disrupt TFRC protein function with a negative predictive value of 80%. In summary, the available evidence is currently insufficient to determine the role of this variant in disease. Therefore, it has been classified as a Variant of Uncertain Significance.